The following is an entry in ClinVar:

ClinVar aggregate classification (germline): Uncertain significance (1 of 4 stars; one submission).

Allele frequency attached by ClinVar (database versions not stated): gnomAD exomes below 0.00001.

Submission:

GeneDx
Classification: Uncertain significance. Last evaluated: 2022-03-15. Review status: criteria provided, single submitter. Criteria: GeneDx Variant Classification Process June 2021. Collection method: clinical testing. Allele origin: germline. Affected: yes.
Comment: Not observed at significant frequency in large population cohorts (gnomAD); In silico analysis supports that this missense variant has a deleterious effect on protein structure/function; Has not been previously published as pathogenic or benign to our knowledge; In-silico analysis is inconclusive as to whether the variant alters gene splicing. In the absence of RNA/functional studies, the actual effect of this sequence change is unknown.

NM_001372044.2(SHANK3):c.3082C>T (p.Pro1028Ser)

Gene: SHANK3 (SH3 and multiple ankyrin repeat domains 3; plus strand). Cytogenetic location: 22q13.33.
Variant type: single nucleotide variant.
Coding change: c.3082C>T on transcript NM_001372044.2 (MANE Select); coding-DNA position 3082, C replaced by T.
Protein change: p.Pro1028Ser; replaces proline 1028 with serine.
Molecular consequence: missense variant.
Genome position (GRCh38, 1-based): chr22:50,720,690, C>T. VCF-style: chr22-50720690-C-T. GRCh37 (hg19) VCF-style: chr22-51159118-C-T.
Other names: c.2857C>T, p.Pro953Ser (NM_033517.1); short protein forms P1028S, P953S.
Identifiers: ClinVar variation 1706087 (VCV001706087.2), dbSNP rs867531841, ClinGen allele CA515260012.
Genomic context (GRCh38, chr22:50,720,690, plus strand): 5'-AACCTGGGCGCCTTCAGCGCCAGCCTCTTCGCTCCGTCCAAGCCGCAGCGCCGCAAGAGC[C>T]CCCTGGTGAAGCAGCTGCAGGTGGAGGACGCGCAGGAGCGCGCGGCCCTGGCCGTGGGCA-3'
Protein context (NP_001358973.1, residues 1018-1038): APSKPQRRKS[Pro1028Ser]LVKQLQVEDA